The following is an entry in ClinVar:

ClinVar aggregate classification (germline): Uncertain significance (1 of 4 stars; one submission).

Submission:

Labcorp Genetics (formerly Invitae), Labcorp
Classification: Uncertain significance. Last evaluated: 2021-03-02. Review status: criteria provided, single submitter. Criteria: Invitae Variant Classification Sherloc (09022015). Collection method: clinical testing. Allele origin: germline.
Comment: This sequence change replaces serine with phenylalanine at codon 412 of the GABRA2 protein (p.Ser412Phe). The serine residue is highly conserved. In summary, the available evidence is currently insufficient to determine the role of this variant in disease. Therefore, it has been classified as a Variant of Uncertain Significance. Experimental studies and prediction algorithms are not available or were not evaluated, and the functional significance of this variant is currently unknown. This variant has not been reported in the literature in individuals with GABRA2-related conditions. The frequency data for this variant in the population databases is considered unreliable, as metrics indicate insufficient coverage at this position in the ExAC database.

NM_000807.4(GABRA2):c.1060-5595C>T

Gene: GABRA2 (gamma-aminobutyric acid type A receptor subunit alpha2; minus strand). Cytogenetic location: 4p12.
Variant type: single nucleotide variant.
Coding change: c.1060-5595C>T on transcript NM_000807.4 (MANE Select); 5595 bases into the intron before coding-DNA position 1060, C replaced by T.
Molecular consequence: intron variant. On other transcripts: missense variant (4).
Genome position (GRCh38, 1-based): chr4:46,256,199, G>A on the plus strand (C>T on the coding strand, the complement: GABRA2 is on the minus strand). VCF-style: chr4-46256199-G-A. GRCh37 (hg19) VCF-style: chr4-46258216-G-A.
Other names: c.1070C>T, p.Ser357Phe (NM_001286827.3); c.1235C>T, p.Ser412Phe (NM_001330690.2, NM_001377144.1, NM_001377145.1); c.895-5595C>T (NM_001377154.1, NM_001377152.1, NM_001377153.1); c.1060-5595C>T (NM_001377146.1, NM_001377150.1, NM_001377147.1 and 4 more transcripts); short protein forms S412F, S357F.
Identifiers: ClinVar variation 1376536 (VCV001376536.6), dbSNP rs2109404016, ClinGen allele CA356803192.